The following is an entry in ClinVar:

ClinVar aggregate classification (germline): Uncertain significance. Review status: criteria provided, multiple submitters, no conflicts (2 of 4 stars). 4 submissions from 4 submitters: Uncertain significance (4). Last evaluated 2025-06-07.

Conditions:
Inborn genetic diseases. Identifiers: MedGen C0950123, MeSH D030342.
Friedreich ataxia 1 (FRDA1). Identifiers: Orphanet 95, MedGen C1856689, MONDO:0100340, OMIM 229300.

Allele frequency attached by ClinVar (database versions not stated): gnomAD 0.00004; TOPMed 0.00014.
gnomAD v4.1: 36 of 1,475,106 alleles (0.0024%); highest among the groups gnomAD compares: East Asian, 0.0058%; no homozygotes.

Submissions (4):

Ambry Genetics
Classification: Uncertain significance for Inborn genetic diseases. Last evaluated: 2025-06-07. Review status: criteria provided, single submitter. Criteria: Ambry Variant Classification Scheme 2023. Collection method: clinical testing. Allele origin: germline.

Mayo Clinic Laboratories, Mayo Clinic
Classification: Uncertain significance. Last evaluated: 2024-07-29. Review status: criteria provided, single submitter. Criteria: ACMG Guidelines, 2015. Collection method: clinical testing. Allele origin: germline. Observed: 1 variant allele.
Comment: BP4_moderate

Blueprint Genetics
Classification: Uncertain significance. Last evaluated: 2022-02-21. Review status: criteria provided, single submitter. Criteria: ACMG Guidelines, 2015. Collection method: clinical testing. Allele origin: germline.

Baylor Genetics
Classification: Uncertain significance for Friedreich ataxia 1. Last evaluated: 2018-03-01. Review status: criteria provided, single submitter. Criteria: ACMG Guidelines, 2015. Collection method: clinical testing. Allele origin: unknown. Affected: yes.
Comment: This variant was determined to be of uncertain significance according to ACMG Guidelines, 2015 [PMID:25741868].

NM_000144.5(FXN):c.146C>A (p.Thr49Asn)

Genes: FXN (frataxin; plus strand), LOC130001862 (ATAC-STARR-seq lymphoblastoid silent region 19931; plus strand). Cytogenetic location: 9q21.11.
Variant type: single nucleotide variant.
Coding change: c.146C>A on transcript NM_000144.5 (MANE Select); coding-DNA position 146, C replaced by A.
Protein change: p.Thr49Asn; replaces threonine 49 with asparagine.
Molecular consequence: missense variant.
Genome position (GRCh38, 1-based): chr9:69,035,928, C>A. VCF-style: chr9-69035928-C-A. GRCh37 (hg19) VCF-style: chr9-71650844-C-A.
Other names: p.Thr49Asn; c.146C>A, p.Thr49Asn (NM_181425.3); short protein forms T49N.
Identifiers: ClinVar variation 1032212 (VCV001032212.7), dbSNP rs995690945, ClinGen allele CA193369153.